The following continues an entry in ClinVar:

NM_000410.4(HFE):c.187C>G (p.His63Asp)

ClinVar aggregate classification (germline): Conflicting classifications of pathogenicity; other. Pathogenic (41); Likely pathogenic (2); Pathogenic, low penetrance (1); Uncertain significance (2).

Submissions 15 to 30 of 60:

Clinical Genetics Laboratory, Skane University Hospital Lund
Classification: Pathogenic. Last evaluated: 2024-01-24. Review status: criteria provided, single submitter. Criteria: ACMG Guidelines, 2015. Collection method: clinical testing. Allele origin: germline. Affected: yes.

Baylor Genetics
Classification: Pathogenic for Hemochromatosis type 1. Last evaluated: 2023-11-25. Review status: criteria provided, single submitter. Criteria: ACMG Guidelines, 2015. Collection method: clinical testing. Allele origin: unknown.

Illumina Laboratory Services, Illumina
Classification: Pathogenic for Hemochromatosis type 1. Last evaluated: 2023-05-18. Review status: criteria provided, single submitter. Criteria: ICSLVariantClassificationCriteria RUGD 01 April 2020. Collection method: clinical testing. Allele origin: unknown.
Comment: The HFE c.187C>G (p.His63Asp) missense variant is well described in the literature as a pathogenic variant with significantly reduced penetrance for HFE hemochromatosis. Approximately 1% of individuals of European ancestry with HFE hemochromatosis are homozygous for the p.His63Asp variant, and between 3-8% are compound heterozygous for the p.His63Asp variant and the well-known p.Cys282Tyr pathogenic variant (PMID: 20301613; PMID: 8696333). Although biochemical abnormalities may be present, only two percent or fewer of individuals who are compound heterozygous for the p.His63Asp variant are expected to develop clinical symptoms of iron overload and HFE hemochromatosis (PMID: 11874997; 19554541; 26365338). Heterozygosity for the p.His63Asp variant ranges from 8.5% in the Asian population to 25% in northern Europeans (PMID: 20301613), with the variant being reported at a frequency of 0.150400 in the European (non-Finnish) population of the Genome Aggregation Database (version 3.1.2), where it is also found in a total of 1005 homozygotes. This allele frequency is high but is consistent with estimates of disease prevalence, reduced penetrance, and a mild phenotype. The p.His63Asp variant is predicted to disrupt a pH-dependent intramolecular salt bridge in the alpha-2 domain, thereby affecting interaction of the protein with the transferrin receptor (PMID: 20301613). Based on the available evidence, the c.187C>G (p.His63Asp) variant is classified as pathogenic for hemochromatosis but with significantly reduced penetrance.

New York Genome Center
Classification: Pathogenic for Hemochromatosis type 1. Last evaluated: 2023-05-15. Review status: criteria provided, single submitter. Criteria: NYGC Assertion Criteria 2020. Collection method: clinical testing. Allele origin: germline. Observed: 1 variant allele, 1 homozygote.

Genomic Medicine Lab, University of California San Francisco
Classification: Pathogenic for Hemochromatosis type 1. Last evaluated: 2023-03-28. Review status: criteria provided, single submitter. Criteria: ACMG Guidelines, 2015. Collection method: clinical testing. Allele origin: biparental. Affected: no.

Institute of Human Genetics Munich, TUM University Hospital
Classification: Pathogenic for Hemochromatosis type 1. Last evaluated: 2022-12-27. Review status: criteria provided, single submitter. Criteria: Classification criteria August 2017. Collection method: clinical testing. Allele origin: germline. Inheritance: Autosomal recessive inheritance. Affected: yes. Observed: 1 variant allele.

AiLife Diagnostics
Classification: Pathogenic. Last evaluated: 2022-03-25. Review status: criteria provided, single submitter. Criteria: ACMG Guidelines, 2015. Collection method: clinical testing. Allele origin: germline. Affected: yes. Observed: 237 variant alleles.

Greenwood Genetic Center Diagnostic Laboratories, Greenwood Genetic Center
Classification: Pathogenic for Hemochromatosis type 1. Last evaluated: 2022-01-05. Review status: criteria provided, single submitter. Criteria: ACMG Guidelines, 2015. Collection method: clinical testing. Allele origin: germline. Affected: yes.
Comment: PS3, PM3_Strong

Foundation for Research in Genetics and Endocrinology, FRIGE's Institute of Human Genetics
Classification: Uncertain significance for Hemochromatosis type 1. Last evaluated: 2021-12-25. Review status: criteria provided, single submitter. Criteria: ACMG Guidelines, 2015. Collection method: clinical testing. Allele origin: germline. Inheritance: Autosomal recessive inheritance. Affected: yes. Observed: 1 heterozygote.
Comment: A heterozygous missense variation in exon 2 of the HFE gene that results in the amino acid substitution of Aspartic Acid for Histidine at codon 63 was detected. The observed variant c.187C>G (p.His63Asp) has previously been reported in a patient affected with Hemochromatosis and functional studies have shown that H63D disrupts normal protein function. The variant has a minor allele frequency of 7% and 10% in the 1000 genomes and gnomAD databases respectively. The reference codon is conserved across species. In summary, the variant meets our criteria to be classified as a variant of uncertain significance.

Laboratorio de Genetica e Diagnostico Molecular, Hospital Israelita Albert Einstein
Classification: Pathogenic for Hemochromatosis type 1. Last evaluated: 2021-12-21. Review status: criteria provided, single submitter. Criteria: ACMG Guidelines, 2015. Collection method: clinical testing. Allele origin: germline.
Comment: ACMG classification criteria: PS3, PS4, PM3

Genomic Diagnostic Laboratory, Division of Genomic Diagnostics, Children's Hospital of Philadelphia
Classification: Pathogenic for Hemochromatosis type 1. Last evaluated: 2021-12-16. Review status: criteria provided, single submitter. Criteria: ACMG Guidelines, 2015. Collection method: clinical testing. Allele origin: germline. Affected: no. Observed: 1 variant allele.

Centre of Medical Genetics, University Hospital Muenster
Classification: Pathogenic. Last evaluated: 2021-12-10. Review status: criteria provided, single submitter. Criteria: ACMG Guidelines, 2015. Collection method: clinical testing. Allele origin: unknown. Affected: yes. Observed: 1 variant allele, 1 heterozygote.
Comment: ACMG categories: PS1,PS3,PS4,PP4

Institute of Medical Genetics and Applied Genomics, University Hospital Tübingen
Classification: Pathogenic. Last evaluated: 2021-09-15. Review status: criteria provided, single submitter. Criteria: ACMG Guidelines, 2015. Collection method: clinical testing. Allele origin: germline. Inheritance: Autosomal recessive inheritance. Affected: yes.

Clinical Genomics Laboratory, Stanford Medicine
Classification: Pathogenic for Hemochromatosis type 1. Last evaluated: 2021-05-13. Review status: criteria provided, single submitter. Criteria: ACMG Guidelines, 2015. Collection method: clinical testing. Allele origin: germline. Affected: yes. Observed: 1 heterozygote.
Comment: • The p.His63Asp variant in the HFE gene has been identified in the homozygous state in approximately 1% of individuals of European ancestry with HFE hemochromatosis, and in the compound heterozygous state with p.Cys282Tyr in approximately 3-8% of individuals of European ancestry with HFE hemochromatosis (Barton and Edwards, 2018). • The p.His63Asp variant is described as a low-penetrant allele and is rarely associated with clinical disease in the homozygous or compound heterozygous state (Gochee et al., 2002; Gurrin et al., 2009). • Individuals heterozygous for the p.His63Asp variant may demonstrate evidence of biochemical disease, including mildly elevated serum transferrin-iron saturation and serum ferritin concentration, but do not develop clinical manifestations of disease (Allen et al., 2008; Pedersen and Milman, 2009). • This variant has been identified in 18,635/129,168 European (non-Finnish) chromosomes (30,592/282,844 chromosomes overall) by the Genome Aggregation Database. Although the p.His63Asp variant is seen at a frequency greater than 5% in the general population, this variant is recognized as a common low-penetrant variant that is an exception to ACMG/AMP classification guidelines (Ghosh et al., 2018). • These data were assessed using the ACMG/AMP variant interpretation guidelines. In summary, there is sufficient evidence to classify the p.His63Asp variant as pathogenic for autosomal recessive HFE hemochromatosis based on the information above. [ACMG evidence codes used: PS4]

Victorian Clinical Genetics Services, Murdoch Childrens Research Institute
Classification: Pathogenic for Hemochromatosis type 1. Last evaluated: 2021-05-06. Review status: criteria provided, single submitter. Criteria: ACMG Guidelines, 2015. Collection method: clinical testing. Allele origin: germline. Inheritance: Autosomal recessive inheritance. Affected: yes.
Comment: Based on the classification scheme VCGS_Germline_v1.3.4, this variant is classified as Pathogenic. Following criteria are met: 0102 - Loss of function is a known mechanism of disease in this gene and is associated with haemochromatosis (MIM#235200). (I) 0106 - This gene is associated with autosomal recessive disease. (I) 0112 - The condition associated with this gene has incomplete penetrance. The variant has also been shown to have variable phenotypic expression and reduced penetrance (GeneReviews, PMID: 19554541). (I) 0200 - Variant is predicted to result in a missense amino acid change from histidine to aspartic acid. (I) 0251 - This variant is heterozygous. (I) 0307 - Variant is present in gnomAD (v2) at a frequency >5% (26,546 heterozygotes, 2,023 homozygotes). (I) 0502 - Missense variant with conflicting in silico predictions and uninformative conservation. (I) 0600 - Variant is located in the annotated class I histocompatibility antigen, domains alpha 1 and 2 (PDB). (I) 0801 - This variant has strong previous evidence of pathogenicity in unrelated individuals. The is one of the most common, low penetrance variants that has previously been described as pathogenic in multiple patients with haemochromatosis (ClinVar; PMID: 26153218); either in a homozygous state or in trans with p.(Cys282Tyr). (SP) 1208 - Inheritance information for this variant is not currently available in this individual. (I) Legend: (SP) - Supporting pathogenic, (I) - Information, (SB) - Supporting benign

Clinical Genetics Laboratory, Region Ostergotland
Classification: Pathogenic for Cardiomyopathy. Last evaluated: 2021-03-25. Review status: criteria provided, single submitter. Criteria: ACMG Guidelines, 2015. Collection method: clinical testing. Allele origin: germline. Affected: yes.
Comment: PM3, PP1, PP5, PS4

Homozygous